The following is an entry in ClinVar:

NM_002016.2(FLG):c.1305A>G (p.Gln435=)

Genes: CCDST (cervical cancer associated DHX9 suppressive transcript; plus strand), FLG (filaggrin; minus strand). Cytogenetic location: 1q21.3.
Variant type: single nucleotide variant.
Coding change: c.1305A>G on transcript NM_002016.2 (MANE Select); coding-DNA position 1305, A replaced by G.
Protein change: p.Gln435=; no amino-acid change (glutamine 435 retained).
Molecular consequence: synonymous variant. On other transcripts: non-coding transcript variant (1).
Genome position (GRCh38, 1-based): chr1:152,313,581, T>C on the plus strand (A>G on the coding strand, the complement: FLG is on the minus strand). VCF-style: chr1-152313581-T-C. GRCh37 (hg19) VCF-style: chr1-152286057-T-C.
Identifiers: ClinVar variation 4980368 (VCV004980368.1).

ClinVar aggregate classification (germline): Likely benign (1 of 4 stars; one submission).

Conditions:
FLG-related disorder. Also called: FLG-related disorders; FLG-related condition.

gnomAD v4.1: 15 of 1,613,758 alleles (0.00093%); highest among the groups gnomAD compares: African/African-American, 0.019%; no homozygotes.

Submission:

PreventionGenetics, part of Exact Sciences
Classification: Likely benign for FLG-related condition. Last evaluated: 2025-05-05. Review status: criteria provided, single submitter. Criteria: ACMG Guidelines, 2015. Collection method: clinical testing. Allele origin: germline.
Comment: This variant is classified as likely benign based on ACMG/AMP sequence variant interpretation guidelines (Richards et al. 2015 PMID: 25741868, with internal and published modifications).